The following is an entry in ClinVar:

NM_015166.4(MLC1):c.613G>A (p.Ala205Thr)

Gene: MLC1 (modulator of VRAC current 1; minus strand). Cytogenetic location: 22q13.33.
Variant type: single nucleotide variant.
Coding change: c.613G>A on transcript NM_015166.4 (MANE Select); coding-DNA position 613, G replaced by A.
Protein change: p.Ala205Thr; replaces alanine 205 with threonine.
Molecular consequence: missense variant. On other transcripts: non-coding transcript variant (3).
Genome position (GRCh38, 1-based): chr22:50,074,317, C>T on the plus strand (G>A on the coding strand, the complement: MLC1 is on the minus strand). VCF-style: chr22-50074317-C-T. GRCh37 (hg19) VCF-style: chr22-50512746-C-T.
Other names: c.613G>A (NM_015166.3); c.613G>A, p.Ala205Thr (NM_001376472.1, NM_001376473.1, NM_001376474.1 and 6 more transcripts); c.523G>A, p.Ala175Thr (NM_001376480.1); c.511G>A, p.Ala171Thr (NM_001376481.1); c.457G>A, p.Ala153Thr (NM_001376482.1, NM_001376483.1); c.376G>A, p.Ala126Thr (NM_001376484.1); short protein forms A153T, A205T, A126T, A171T, A175T.
Identifiers: ClinVar variation 2196253 (VCV002196253.2), dbSNP rs749623663, ClinGen allele CA412109384.

ClinVar aggregate classification (germline): Uncertain significance. Review status: criteria provided, multiple submitters, no conflicts (2 of 4 stars). 2 submissions from 2 submitters: Uncertain significance (2). Last evaluated 2025-08-28.

Conditions:
Inborn genetic diseases. Identifiers: MedGen C0950123, MeSH D030342.

Allele frequency attached by ClinVar (database versions not stated): gnomAD 0.00001.

Submissions (2):

Ambry Genetics
Classification: Uncertain significance for Inborn genetic diseases. Last evaluated: 2025-08-28. Review status: criteria provided, single submitter. Criteria: Ambry Variant Classification Scheme 2023. Collection method: clinical testing. Allele origin: germline.

Labcorp Genetics (formerly Invitae), Labcorp
Classification: Uncertain significance. Last evaluated: 2021-12-02. Review status: criteria provided, single submitter. Criteria: Invitae Variant Classification Sherloc (09022015). Collection method: clinical testing. Allele origin: germline.
Comment: This sequence change replaces alanine, which is neutral and non-polar, with threonine, which is neutral and polar, at codon 205 of the MLC1 protein (p.Ala205Thr). This variant is not present in population databases (gnomAD no frequency). This variant has not been reported in the literature in individuals affected with MLC1-related conditions. Algorithms developed to predict the effect of missense changes on protein structure and function are either unavailable or do not agree on the potential impact of this missense change (SIFT: "Tolerated"; PolyPhen-2: "Possibly Damaging"; Align-GVGD: "Class C0"). In summary, the available evidence is currently insufficient to determine the role of this variant in disease. Therefore, it has been classified as a Variant of Uncertain Significance.